The following is an entry in ClinVar:

ClinVar aggregate classification (germline): Uncertain significance (1 of 4 stars; one submission).

Conditions:
Hereditary cancer-predisposing syndrome. Also called: Neoplastic Syndromes, Hereditary; Hereditary Cancer Syndrome; Tumor predisposition; Hereditary neoplastic syndrome. Identifiers: Orphanet 140162, MedGen C0027672, MeSH D009386, MONDO:0015356.

Submission:

Ambry Genetics
Classification: Uncertain significance for Hereditary cancer-predisposing syndrome. Last evaluated: 2022-11-11. Review status: criteria provided, single submitter. Criteria: Ambry Variant Classification Scheme 2023. Collection method: clinical testing. Allele origin: germline.
Comment: The p.I344L variant (also known as c.1030A>C), located in coding exon 9 of the CHEK2 gene, results from an A to C substitution at nucleotide position 1030. The isoleucine at codon 344 is replaced by leucine, an amino acid with highly similar properties. This amino acid position is conserved. In addition, the in silico prediction for this alteration is inconclusive. Since supporting evidence is limited at this time, the clinical significance of this alteration remains unclear.

NM_007194.4(CHEK2):c.1030A>C (p.Ile344Leu)

Gene: CHEK2 (checkpoint kinase 2; minus strand). Cytogenetic location: 22q12.1.
Variant type: single nucleotide variant.
Coding change: c.1030A>C on transcript NM_007194.4 (MANE Select); coding-DNA position 1030, A replaced by C.
Protein change: p.Ile344Leu; replaces isoleucine 344 with leucine.
Molecular consequence: missense variant. On other transcripts: intron variant (3).
Genome position (GRCh38, 1-based): chr22:28,696,966, T>G on the plus strand (A>C on the coding strand, the complement: CHEK2 is on the minus strand). VCF-style: chr22-28696966-T-G. GRCh37 (hg19) VCF-style: chr22-29092954-T-G.
Other names: c.1159A>C, p.Ile387Leu (NM_001005735.3); c.367A>C, p.Ile123Leu (NM_001257387.3, NM_001437942.1); c.829A>C, p.Ile277Leu (NM_001349956.3); c.1123A>C, p.Ile375Leu (NM_001438293.1); c.1009-1093A>C (NM_145862.3); c.1102-1093A>C (NM_001438295.1); c.1138-1093A>C (NM_001438294.1); short protein forms I277L, I344L, I123L, I387L, I375L.
Identifiers: ClinVar variation 2447084 (VCV002447084.2), dbSNP rs2517822749, ClinGen allele CA411097769.